The following is an entry in ClinVar:

NM_004329.3(BMPR1A):c.1190C>T (p.Pro397Leu)

Gene: BMPR1A (bone morphogenetic protein receptor type 1A; plus strand). Cytogenetic location: 10q23.2.
Variant type: single nucleotide variant.
Coding change: c.1190C>T on transcript NM_004329.3 (MANE Select); coding-DNA position 1190, C replaced by T.
Protein change: p.Pro397Leu; replaces proline 397 with leucine.
Molecular consequence: missense variant.
Genome position (GRCh38, 1-based): chr10:86,921,543, C>T. VCF-style: chr10-86921543-C-T. GRCh37 (hg19) VCF-style: chr10-88681300-C-T.
Other names: short protein forms P397L.
Identifiers: ClinVar variation 239854 (VCV000239854.17), dbSNP rs878854662, ClinGen allele CA10582749.

ClinVar aggregate classification (germline): Uncertain significance. Review status: criteria provided, multiple submitters, no conflicts (2 of 4 stars). 4 submissions from 4 submitters: Uncertain significance (4). Last evaluated 2025-10-06.

Conditions:
Hereditary cancer-predisposing syndrome. Also called: Neoplastic Syndromes, Hereditary; Tumor predisposition; Hereditary neoplastic syndrome; Hereditary Cancer Syndrome. Identifiers: Orphanet 140162, MedGen C0027672, MeSH D009386, MONDO:0015356.
Juvenile polyposis syndrome (JPS). Identifiers: Orphanet 2929, MedGen C0345893, MONDO:0017380, OMIM 174900.

Submissions (4):

Labcorp Genetics (formerly Invitae), Labcorp
Classification: Uncertain significance for Juvenile polyposis syndrome. Last evaluated: 2025-10-06. Review status: criteria provided, single submitter. Criteria: Invitae Variant Classification Sherloc (09022015). Collection method: clinical testing. Allele origin: germline.
Comment: This sequence change replaces proline, which is neutral and non-polar, with leucine, which is neutral and non-polar, at codon 397 of the BMPR1A protein (p.Pro397Leu). This variant is not present in population databases (gnomAD no frequency). This variant has not been reported in the literature in individuals affected with BMPR1A-related conditions. ClinVar contains an entry for this variant (Variation ID: 239854). Invitae Evidence Modeling of protein sequence and biophysical properties (such as structural, functional, and spatial information, amino acid conservation, physicochemical variation, residue mobility, and thermodynamic stability) has been performed for this missense variant. However, the output from this modeling did not meet the statistical confidence thresholds required to predict the impact of this variant on BMPR1A protein function. In summary, the available evidence is currently insufficient to determine the role of this variant in disease. Therefore, it has been classified as a Variant of Uncertain Significance.

Color Diagnostics, LLC DBA Color Health
Classification: Uncertain significance for Hereditary cancer-predisposing syndrome. Last evaluated: 2025-08-30. Review status: criteria provided, single submitter. Criteria: ACMG Guidelines, 2015. Collection method: clinical testing. Allele origin: germline.
Comment: This missense variant replaces proline with leucine at codon 397 of the BMPR1A protein. Computational prediction suggests that this variant may not impact protein structure and function. To our knowledge, functional studies have not been reported for this variant. This variant has not been reported in individuals affected with BMPR1A-related disorders in the literature. This variant has not been identified in the general population by the Genome Aggregation Database (gnomAD). The available evidence is insufficient to determine the role of this variant in disease conclusively. Therefore, this variant is classified as a Variant of Uncertain Significance.

Ambry Genetics
Classification: Uncertain significance for Hereditary cancer-predisposing syndrome. Last evaluated: 2024-02-12. Review status: criteria provided, single submitter. Criteria: Ambry Variant Classification Scheme 2023. Collection method: clinical testing. Allele origin: germline.
Comment: The p.P397L variant (also known as c.1190C>T), located in coding exon 9 of the BMPR1A gene, results from a C to T substitution at nucleotide position 1190. The proline at codon 397 is replaced by leucine, an amino acid with similar properties. This amino acid position is highly conserved in available vertebrate species. In addition, the in silico prediction for this alteration is inconclusive. Based on the available evidence, the clinical significance of this alteration remains unclear.

All of Us Research Program, National Institutes of Health
Classification: Uncertain significance for Juvenile polyposis syndrome. Last evaluated: 2023-03-04. Review status: criteria provided, single submitter. Criteria: ACMG Guidelines, 2015. Collection method: clinical testing. Allele origin: germline. Inheritance: Autosomal dominant inheritance. Observed: 1 variant allele, 1 heterozygote.
Comment: This study involves interpretation of variants in research participants for the purpose of population health screening. Participant phenotype was not available at the time of variant classification. Additional details can be found in publication PMID: 35346344, PMCID: PMC8962531